The following is an entry in ClinVar:

NM_000465.4(BARD1):c.1973G>T (p.Arg658Leu)

Gene: BARD1 (BRCA1 associated RING domain 1; minus strand). Cytogenetic location: 2q35.
Variant type: single nucleotide variant.
Coding change: c.1973G>T on transcript NM_000465.4 (MANE Select); coding-DNA position 1973, G replaced by T.
Protein change: p.Arg658Leu; replaces arginine 658 with leucine.
Molecular consequence: missense variant. On other transcripts: non-coding transcript variant (3).
Genome position (GRCh38, 1-based): chr2:214,730,439, C>A on the plus strand (G>T on the coding strand, the complement: BARD1 is on the minus strand). VCF-style: chr2-214730439-C-A. GRCh37 (hg19) VCF-style: chr2-215595163-C-A.
Other names: c.1916G>T, p.Arg639Leu (NM_001282543.2); c.620G>T, p.Arg207Leu (NM_001282545.2); c.563G>T, p.Arg188Leu (NM_001282548.2); c.434G>T, p.Arg145Leu (NM_001282549.2); short protein forms R658L, R188L, R207L, R639L, R145L.
Identifiers: ClinVar variation 530191 (VCV000530191.9), dbSNP rs377227840, ClinGen allele CA350451135.

ClinVar aggregate classification (germline): Uncertain significance (1 of 4 stars; one submission).

Conditions:
Familial cancer of breast. Also called: BREAST CANCER, FAMILIAL; Hereditary breast cancer; hereditary breast carcinoma. Identifiers: Orphanet 227535, MedGen C0346153, MONDO:0016419, OMIM 114480. Disease mechanism: loss of function.

Submission:

Labcorp Genetics (formerly Invitae), Labcorp
Classification: Uncertain significance for Familial cancer of breast. Last evaluated: 2017-12-25. Review status: criteria provided, single submitter. Criteria: Invitae Variant Classification Sherloc (09022015). Collection method: clinical testing. Allele origin: germline.
Comment: In summary, the available evidence is currently insufficient to determine the role of this variant in disease. Therefore, it has been classified as a Variant of Uncertain Significance. Algorithms developed to predict the effect of missense changes on protein structure and function do not agree on the potential impact of this missense change (SIFT: "Tolerated"; PolyPhen-2: "Benign"; Align-GVGD: "Class C25"). This variant has not been reported in the literature in individuals with BARD1-related disease. This variant is not present in population databases (ExAC no frequency). This sequence change replaces arginine with leucine at codon 658 of the BARD1 protein (p.Arg658Leu). The arginine residue is weakly conserved and there is a moderate physicochemical difference between arginine and leucine.